The following is an entry in ClinVar:

ClinVar aggregate classification (germline): Pathogenic/Likely pathogenic. Review status: criteria provided, multiple submitters, no conflicts (2 of 4 stars). 5 submissions from 5 submitters: Pathogenic (2); Likely pathogenic (2). 1 of the submissions does not count toward it. Last evaluated 2024-12-05.

Conditions:
Neurodevelopmental disorder with visual defects and brain anomalies. Identifiers: MedGen C5231404, MONDO:0032807, OMIM 618547.
Neurodevelopmental delay. Identifiers: MedGen C4022738, HP:0012758.
Retinitis pigmentosa 79 (RP79). Identifiers: MedGen C4479526, MONDO:0044320, OMIM 617460.

Submissions (5):

Wendy Chung Laboratory, Boston Children's Hospital
Classification: Likely pathogenic for Neurodevelopmental disorder with visual defects and brain anomalies. Last evaluated: 2024-12-05. Review status: criteria provided, single submitter. Criteria: ACMG Guidelines, 2015. Collection method: clinical testing. Allele origin: de novo. Inheritance: Autosomal dominant inheritance. Affected: yes. Observed: 2 heterozygotes.
Comment: The c.1240G>A variant has been reported de novo in at least three individuals with HK1-related NEDVIBA in the literature (PMID: 36541585, this study) and in ClinVar (ClinVar ID = 1700095) with affected status provided. The c.1240G>A variant is absent from population databases (gnomAD v4.1.0, TOPMed Freeze 10, All of Us). The c.1240G>A variant is located in exon 9 of this 18-exon gene and predicted to replace an evolutionarily conserved glycine amino acid with arginine at position 414 [p.(Gly414Arg)] within the hexokinase large subdomain 1 of the encoded protein. At least one in silico prediction tool is in support of damaging effect for the p.(Gly414Arg) variant; however, there are no functional studies to confirm or refute these predictions. Another variant resulting in the same predicted missense variant (c.1240G>C:p.(Gly414Arg) has been deposited in ClinVar without affected status provided. Another missense variant (c.1241G>A:p.(Gly414Glu)) have been reported in the literature in individuals with HK1-related NEDVIBA (PMID: 30778173, 33057194). Based on available evidence this apparently de novo heterozygous c.1240G>A:p.(Gly414Arg) variant identified in HK1 in these individuals is classified as Likely Pathogenic (PS2 + PM5 + PM2_Supp + PP3).

GeneDx
Classification: Pathogenic. Last evaluated: 2024-07-29. Review status: criteria provided, single submitter. Criteria: GeneDx Variant Classification Process June 2021. Collection method: clinical testing. Allele origin: germline. Affected: yes.
Comment: Not observed at significant frequency in large population cohorts (gnomAD); In silico analysis supports that this missense variant has a deleterious effect on protein structure/function; This variant is associated with the following publications: (PMID: 30778173, 38617198, 36541585)

Labcorp Genetics (formerly Invitae), Labcorp
Classification: Likely pathogenic. Last evaluated: 2022-11-01. Review status: criteria provided, single submitter. Criteria: Invitae Variant Classification Sherloc (09022015). Collection method: clinical testing. Allele origin: germline.
Comment: In summary, the currently available evidence indicates that the variant is pathogenic, but additional data are needed to prove that conclusively. Therefore, this variant has been classified as Likely Pathogenic. This variant disrupts the p.Gly414 amino acid residue in HK1. Other variant(s) that disrupt this residue have been determined to be pathogenic (PMID: 30778173). This suggests that this residue is clinically significant, and that variants that disrupt this residue are likely to be disease-causing. Advanced modeling of protein sequence and biophysical properties (such as structural, functional, and spatial information, amino acid conservation, physicochemical variation, residue mobility, and thermodynamic stability) performed at Invitae indicates that this missense variant is expected to disrupt HK1 protein function. ClinVar contains an entry for this variant (Variation ID: 1700095). This variant has not been reported in the literature in individuals affected with HK1-related conditions. This variant is not present in population databases (gnomAD no frequency). This sequence change replaces glycine, which is neutral and non-polar, with arginine, which is basic and polar, at codon 414 of the HK1 protein (p.Gly414Arg).

Centre de Biologie Pathologie Génétique, Centre Hospitalier Universitaire de Lille
Classification: Pathogenic for Neurodevelopmental delay. Review status: criteria provided, single submitter. Criteria: ACMG Guidelines, 2015. Collection method: clinical testing. Allele origin: unknown. Affected: yes.

Solve-RD Consortium
Classification: Likely pathogenic for Retinitis pigmentosa 79. Last evaluated: 2022-06-01. Review status: no assertion criteria provided. Collection method: provider interpretation. Allele origin: inherited. Affected: yes. Not counted in ClinVar's aggregate classification.
Comment: Variant confirmed as disease-causing by referring clinical team

Variant identified during reanalysis of unsolved cases by the Solve-RD project. The Solve-RD project has received funding from the European Union’s Horizon 2020 research and innovation programme under grant agreement No 779257.

Literature cited by the submitters: PubMed 30778173 (cited by Labcorp Genetics (formerly Invitae), Labcorp); PubMed 39825153 (cited by Solve-RD Consortium).

NM_000188.3(HK1):c.1240G>A (p.Gly414Arg)

Gene: HK1 (hexokinase 1; plus strand). Cytogenetic location: 10q22.1.
Variant type: single nucleotide variant.
Coding change: c.1240G>A on transcript NM_000188.3 (MANE Select); coding-DNA position 1240, G replaced by A.
Protein change: p.Gly414Arg; replaces glycine 414 with arginine.
Molecular consequence: missense variant.
Genome position (GRCh38, 1-based): chr10:69,380,070, G>A. VCF-style: chr10-69380070-G-A. GRCh37 (hg19) VCF-style: chr10-71139826-G-A.
Other names: c.1252G>A, p.Gly418Arg (NM_001322364.2, NM_001358263.1, NM_033497.3 and 1 more transcripts); c.1345G>A, p.Gly449Arg (NM_001322365.2); c.1156G>A, p.Gly386Arg (NM_001322366.1); c.1144G>A, p.Gly382Arg (NM_001322367.1); c.1237G>A, p.Gly413Arg (NM_033496.3); c.1204G>A, p.Gly402Arg (NM_033500.2); c.1240G>A (NM_000188.2); short protein forms G382R, G386R, G402R, G413R, G414R, G418R, G449R.
Identifiers: ClinVar variation 1700095 (VCV001700095.8), dbSNP rs2132871580, ClinGen allele CA376917722.